The following is an entry in ClinVar:

NM_000329.3(RPE65):c.1115dup (p.Leu372fs)

Gene: RPE65 (retinoid isomerohydrolase RPE65; minus strand). Cytogenetic location: 1p31.3.
Variant type: Duplication.
Coding change: c.1115dup on transcript NM_000329.3 (MANE Select); coding-DNA position 1115, one base duplicated (T; older notation c.1115dupT).
Protein change: p.Leu372fs; shifts the reading frame from leucine 372.
Molecular consequence: frameshift variant.
Genome position (GRCh38, 1-based): chr1:68,438,200, A duplicated on the plus strand (T on the coding strand, the reverse complement: RPE65 is on the minus strand); the first of 3 consecutive A bases (chr1:68,438,200-68,438,202); duplicating any one gives the same sequence. VCF-style (leftmost placement, unchanged base first): chr1-68438199-C-CA. GRCh37 (hg19) VCF-style: chr1-68903882-C-CA.
Other names: short protein forms L372fs.
Identifiers: ClinVar variation 1429329 (VCV001429329.6), dbSNP rs2100816844, ClinGen allele CA2573132574.

ClinVar aggregate classification (germline): Pathogenic (1 of 4 stars; one submission).

Conditions:
Leber congenital amaurosis 2 (LCA2). Also called: AMAUROSIS CONGENITA OF LEBER II; Autosomal Recessive RPE65-Related Retinal Degeneration. Identifiers: Orphanet 65, MedGen C1859844, MONDO:0008765, OMIM 204100. Disease mechanism: loss of function.
Retinitis pigmentosa 20 (RP20). Identifiers: Orphanet 791, MedGen C3151086, MONDO:0013425, OMIM 613794.

Submission:

Labcorp Genetics (formerly Invitae), Labcorp
Classification: Pathogenic for Leber congenital amaurosis 2; Retinitis pigmentosa 20. Last evaluated: 2021-08-17. Review status: criteria provided, single submitter. Criteria: Invitae Variant Classification Sherloc (09022015). Collection method: clinical testing. Allele origin: germline.
Comment: For these reasons, this variant has been classified as Pathogenic. This variant has not been reported in the literature in individuals affected with RPE65-related conditions. This variant is not present in population databases (ExAC no frequency). This sequence change creates a premature translational stop signal (p.Leu372Phefs*4) in the RPE65 gene. It is expected to result in an absent or disrupted protein product. Loss-of-function variants in RPE65 are known to be pathogenic (PMID: 9326941, 9501220, 9843205, 18632300).

Literature cited by the submitters: PubMed 9326941; PubMed 9501220; PubMed 9843205; PubMed 18632300.